The following is an entry in ClinVar:

NM_012330.4(KAT6B):c.1504G>A (p.Gly502Ser)

Gene: KAT6B (lysine acetyltransferase 6B; plus strand). Cytogenetic location: 10q22.2.
Variant type: single nucleotide variant.
Coding change: c.1504G>A on transcript NM_012330.4 (MANE Select); coding-DNA position 1504, G replaced by A.
Protein change: p.Gly502Ser; replaces glycine 502 with serine.
Molecular consequence: missense variant. On other transcripts: intron variant (13).
Genome position (GRCh38, 1-based): chr10:74,975,841, G>A. VCF-style: chr10-74975841-G-A. GRCh37 (hg19) VCF-style: chr10-76735599-G-A.
Other names: c.1504G>A, p.Gly502Ser (NM_001370136.1, NM_001370137.1); c.1117+387G>A (NM_001370139.1, NM_001370140.1, NM_001370141.1 and 3 more transcripts); c.1444+60G>A (NM_001370138.1, NM_001256468.2); c.846+6066G>A (NM_001370133.1); c.193-3383G>A (NM_001370134.1); c.929-1475G>A (NM_001370143.1, NM_001370144.1); c.193-13178G>A (NM_001370135.1); short protein forms G502S.
Identifiers: ClinVar variation 1309073 (VCV001309073.5), dbSNP rs745726033, ClinGen allele CA5564420.
Genomic context (GRCh38, chr10:74,975,841, plus strand): 5'-GGTACCACACAAAAGCTAAAACCTCCACCTTCTTCACTTCCACCCCCAACCCCCATCTCC[G>A]GTCAGAGCCCCAGTTCACAAAAGTCCAGCACGGCCACTTCTTCTCCCTCTCCCCAGAGTT-3'
Protein context (NP_036462.2, residues 492-512): SSLPPPTPIS[Gly502Ser]QSPSSQKSST

ClinVar aggregate classification (germline): Conflicting classifications of pathogenicity. Review status: criteria provided, conflicting classifications (1 of 4 stars). 2 submissions from 2 submitters: Uncertain significance (1); Likely benign (1). Last evaluated 2022-12-18.

Conditions:
Genitopatellar syndrome (GTPTS). Also called: Genitopatellar syndrome (GPS); ABSENT PATELLAE, SCROTAL HYPOPLASIA, RENAL ANOMALIES, FACIAL DYSMORPHISM, AND MENTAL RETARDATION. Identifiers: Orphanet 85201, MedGen C1853566, MONDO:0011640, OMIM 606170.

Allele frequency attached by ClinVar (database versions not stated): TOPMed below 0.00001; ExAC 0.00001; gnomAD exomes 0.00002 and 0.00003.
gnomAD v4.1: 41 of 1,613,924 alleles (0.0025%); highest among the groups gnomAD compares: South Asian, 0.0055%; no homozygotes.

Submissions (2):

Labcorp Genetics (formerly Invitae), Labcorp
Classification: Uncertain significance for Genitopatellar syndrome. Last evaluated: 2022-12-18. Review status: criteria provided, single submitter. Criteria: Invitae Variant Classification Sherloc (09022015). Collection method: clinical testing. Allele origin: germline.
Comment: In summary, the available evidence is currently insufficient to determine the role of this variant in disease. Therefore, it has been classified as a Variant of Uncertain Significance. Algorithms developed to predict the effect of missense changes on protein structure and function (SIFT, PolyPhen-2, Align-GVGD) all suggest that this variant is likely to be tolerated. ClinVar contains an entry for this variant (Variation ID: 1309073). This variant has not been reported in the literature in individuals affected with KAT6B-related conditions. This variant is present in population databases (rs745726033, gnomAD 0.01%). This sequence change replaces glycine, which is neutral and non-polar, with serine, which is neutral and polar, at codon 502 of the KAT6B protein (p.Gly502Ser).

GeneDx
Classification: Likely benign. Last evaluated: 2021-04-16. Review status: criteria provided, single submitter. Criteria: GeneDx Variant Classification Process June 2021. Collection method: clinical testing. Allele origin: germline. Affected: yes.